The following is an entry in ClinVar:

NM_004517.4(ILK):c.586C>G (p.Leu196Val)

Genes: ILK (integrin linked kinase; plus strand), TAF10 (TATA-box binding protein associated factor 10; minus strand). Cytogenetic location: 11p15.4.
Variant type: single nucleotide variant.
Coding change: c.586C>G on transcript NM_004517.4 (MANE Select); coding-DNA position 586, C replaced by G.
Protein change: p.Leu196Val; replaces leucine 196 with valine.
Molecular consequence: missense variant. On other transcripts: 3 prime UTR variant (1), intron variant (1).
Genome position (GRCh38, 1-based): chr11:6,609,124, C>G. VCF-style: chr11-6609124-C-G. GRCh37 (hg19) VCF-style: chr11-6630355-C-G.
Other names: c.586C>G, p.Leu196Val (NM_001014794.3, NM_001014795.3); c.184C>G, p.Leu62Val (NM_001278442.2); c.*1798G>C (NM_006284.4); c.435+157C>G (NM_001278441.2); short protein forms L196V, L62V.
Identifiers: ClinVar variation 1023101 (VCV001023101.10), dbSNP rs1855236652, ClinGen allele CA379460817.

ClinVar aggregate classification (germline): Uncertain significance (1 of 4 stars; one submission).

Conditions:
Primary familial hypertrophic cardiomyopathy (HCM). Identifiers: Orphanet 99739, MedGen C0949658, MeSH D024741, MONDO:0024573. Inheritance: Various modes of inheritance.

Allele frequency attached by ClinVar (database versions not stated): gnomAD 0.00001.
gnomAD v4.1: 1 of 1,614,048 alleles (0.000062%); highest among the groups gnomAD compares: Admixed American, 0.0017%; no homozygotes.

Submission:

Labcorp Genetics (formerly Invitae), Labcorp
Classification: Uncertain significance for Primary familial hypertrophic cardiomyopathy. Last evaluated: 2020-03-03. Review status: criteria provided, single submitter. Criteria: Invitae Variant Classification Sherloc (09022015). Collection method: clinical testing. Allele origin: germline.
Comment: This sequence change replaces leucine with valine at codon 196 of the ILK protein (p.Leu196Val). The leucine residue is moderately conserved and there is a small physicochemical difference between leucine and valine. This variant is not present in population databases (ExAC no frequency). This variant has not been reported in the literature in individuals with ILK-related conditions. Algorithms developed to predict the effect of missense changes on protein structure and function output the following: SIFT: "Tolerated"; PolyPhen-2: "Benign"; Align-GVGD: "Class C0". The valine amino acid residue is found in multiple mammalian species, suggesting that this missense change does not adversely affect protein function. These predictions have not been confirmed by published functional studies and their clinical significance is uncertain. In summary, the available evidence is currently insufficient to determine the role of this variant in disease. Therefore, it has been classified as a Variant of Uncertain Significance.